The following is an entry in ClinVar:

ClinVar aggregate classification (germline): Uncertain significance. Review status: criteria provided, multiple submitters, no conflicts (2 of 4 stars). 2 submissions from 2 submitters: Uncertain significance (2). Last evaluated 2025-10-24.

Conditions:
Inborn genetic diseases. Identifiers: MedGen C0950123, MeSH D030342.

Allele frequency attached by ClinVar (database versions not stated): gnomAD exomes 0.00001.
gnomAD v4.1: 4 of 1,600,694 alleles (0.00025%); highest among the groups gnomAD compares: South Asian, 0.0011%; no homozygotes.

Submissions (2):

Ambry Genetics
Classification: Uncertain significance for Inborn genetic diseases. Last evaluated: 2025-10-24. Review status: criteria provided, single submitter. Criteria: Ambry Variant Classification Scheme 2023. Collection method: clinical testing. Allele origin: germline.

Labcorp Genetics (formerly Invitae), Labcorp
Classification: Uncertain significance. Last evaluated: 2022-10-19. Review status: criteria provided, single submitter. Criteria: Invitae Variant Classification Sherloc (09022015). Collection method: clinical testing. Allele origin: germline.
Comment: In summary, the available evidence is currently insufficient to determine the role of this variant in disease. Therefore, it has been classified as a Variant of Uncertain Significance. Advanced modeling of protein sequence and biophysical properties (such as structural, functional, and spatial information, amino acid conservation, physicochemical variation, residue mobility, and thermodynamic stability) performed at Invitae indicates that this missense variant is not expected to disrupt MTHFD1 protein function. This variant has not been reported in the literature in individuals affected with MTHFD1-related conditions. This variant is not present in population databases (gnomAD no frequency). This sequence change replaces isoleucine, which is neutral and non-polar, with methionine, which is neutral and non-polar, at codon 40 of the MTHFD1 protein (p.Ile40Met).

NM_005956.4(MTHFD1):c.120A>G (p.Ile40Met)

Gene: MTHFD1 (methylenetetrahydrofolate dehydrogenase, cyclohydrolase and formyltetrahydrofolate synthetase 1; plus strand). Cytogenetic location: 14q23.3.
Variant type: single nucleotide variant.
Coding change: c.120A>G on transcript NM_005956.4 (MANE Select); coding-DNA position 120, A replaced by G.
Protein change: p.Ile40Met; replaces isoleucine 40 with methionine.
Molecular consequence: missense variant.
Genome position (GRCh38, 1-based): chr14:64,400,871, A>G. VCF-style: chr14-64400871-A-G. GRCh37 (hg19) VCF-style: chr14-64867589-A-G.
Other names: c.120A>G, p.Ile40Met (NM_001364837.1); c.120A>G (NM_005956.3); short protein forms I40M.
Identifiers: ClinVar variation 1948219 (VCV001948219.6), dbSNP rs2077890162, ClinGen allele CA389963756.